The following is an entry in ClinVar:

ClinVar aggregate classification (germline): Pathogenic (1 of 4 stars; one submission).

Conditions:
Hereditary nonpolyposis colorectal neoplasms. Identifiers: MedGen C0009405, MeSH D003123.

Submission:

Labcorp Genetics (formerly Invitae), Labcorp
Classification: Pathogenic for Hereditary nonpolyposis colorectal neoplasms. Last evaluated: 2021-08-14. Review status: criteria provided, single submitter. Criteria: Invitae Variant Classification Sherloc (09022015). Collection method: clinical testing. Allele origin: germline.
Comment: For these reasons, this variant has been classified as Pathogenic. ClinVar contains an entry for this variant (Variation ID: 655209). This variant has not been reported in the literature in individuals affected with MSH6-related conditions. This variant is not present in population databases (ExAC no frequency). This sequence change creates a premature translational stop signal (p.Lys189*) in the MSH6 gene. It is expected to result in an absent or disrupted protein product. Loss-of-function variants in MSH6 are known to be pathogenic (PMID: 18269114, 24362816).

Literature cited by the submitters: PubMed 18269114; PubMed 24362816.

NM_000179.3(MSH6):c.564dup (p.Lys189Ter)

Gene: MSH6 (mutS homolog 6; plus strand). Cytogenetic location: 2p16.3.
Variant type: Duplication.
Coding change: c.564dup on transcript NM_000179.3 (MANE Select); coding-DNA position 564, one base duplicated (T; older notation c.564dupT).
Protein change: p.Lys189Ter; replaces lysine 189 with a stop codon.
Molecular consequence: nonsense. On other transcripts: 5 prime UTR variant (1), intron variant (2).
Genome position (GRCh38, 1-based): chr2:47,796,000, T duplicated; the last of 2 consecutive T bases (chr2:47,795,999-47,796,000); duplicating either gives the same sequence. VCF-style (leftmost placement, unchanged base first): chr2-47795998-A-AT. GRCh37 (hg19) VCF-style: chr2-48023137-A-AT.
Other names: c.-339dup (NM_001281494.2); c.-279-2611dup (NM_001281493.2); c.238-2611dup (NM_001281492.2); c.564dupT (NM_000179.2); short protein forms K189*.
Identifiers: ClinVar variation 655209 (VCV000655209.7), dbSNP rs1572716371, ClinGen allele CA915943794.